The following is an entry in ClinVar:

ClinVar aggregate classification (germline): Likely benign. Review status: criteria provided, multiple submitters, no conflicts (2 of 4 stars). 2 submissions from 2 submitters: Likely benign (2). Last evaluated 2018-01-13.

Conditions:
Growth delay due to insulin-like growth factor I resistance. Also called: Somatomedin end-organ insensitivity to; Somatomedin-c resistance to; IGF-1 resistance; IGF-I RESISTANCE; Insulin-Like Growth Factor I Resistance. Identifiers: Orphanet 73273, MedGen C1849157, MONDO:0010038, OMIM 270450.

Allele frequency attached by ClinVar (database versions not stated): 1000 Genomes Project 0.00300; 1000 Genomes Project 30x 0.00359; gnomAD 0.00583 and 0.00588; TOPMed 0.00610; gnomAD exomes 0.00764.
gnomAD v4.1: 1,486 of 233,150 alleles (0.64%); highest among the groups gnomAD compares: Non-Finnish European, 1%; 5 homozygotes.

Submissions (2):

Illumina Laboratory Services, Illumina
Classification: Likely benign for Growth delay due to insulin-like growth factor I resistance. Last evaluated: 2018-01-13. Review status: criteria provided, single submitter. Criteria: ICSL Variant Classification Criteria 13 December 2019. Collection method: clinical testing. Allele origin: germline.
Comment: This variant was observed in the ICSL laboratory as part of a predisposition screen in an ostensibly healthy population. It had not been previously curated by ICSL or reported in the Human Gene Mutation Database (HGMD: prior to June 1st, 2018), and was therefore a candidate for classification through an automated scoring system. Utilizing variant allele frequency, disease prevalence and penetrance estimates, and inheritance mode, an automated score was calculated to assess if this variant is too frequent to cause the disease. Based on the score and internal cut-off values, a variant classified as likely benign is not then subjected to further curation. The score for this variant resulted in a classification of likely benign for this disease.

Breakthrough Genomics
Classification: Likely benign. Review status: criteria provided, single submitter. Criteria: ACMG Guidelines, 2015. Collection method: not provided. Allele origin: germline. Inheritance: Autosomal dominant inheritance. Affected: yes.

NM_000875.5(IGF1R):c.*6308T>C

Gene: IGF1R (insulin like growth factor 1 receptor; plus strand). Cytogenetic location: 15q26.3.
Variant type: single nucleotide variant.
Coding change: c.*6308T>C on transcript NM_000875.5 (MANE Select); 6308 bases downstream of the stop codon, T replaced by C.
Molecular consequence: 3 prime UTR variant.
Genome position (GRCh38, 1-based): chr15:98,963,750, T>C. VCF-style: chr15-98963750-T-C. GRCh37 (hg19) VCF-style: chr15-99506979-T-C.
Other names: c.*6308T>C (NM_001291858.2).
Identifiers: ClinVar variation 317639 (VCV000317639.6), dbSNP rs78894779, ClinGen allele CA10642803.